The following is an entry in ClinVar:

ClinVar aggregate classification (germline): Likely benign (0 of 4 stars; one submission).

Conditions:
ESPL1-related disorder. Also called: ESPL1-related condition.

Allele frequency attached by ClinVar (database versions not stated): gnomAD 0.00007; gnomAD exomes 0.00007; TOPMed 0.00007; ESP Exome Variant Server 0.00008; ExAC 0.00009.
gnomAD v4.1: 120 of 1,598,174 alleles (0.0075%); highest among the groups gnomAD compares: Non-Finnish European, 0.0084%; no homozygotes.

Submission:

PreventionGenetics, part of Exact Sciences
Classification: Likely benign for ESPL1-related condition. Last evaluated: 2019-10-28. Review status: no assertion criteria provided. Collection method: clinical testing. Allele origin: germline.
Comment: This variant is classified as likely benign based on ACMG/AMP sequence variant interpretation guidelines (Richards et al. 2015 PMID: 25741868, with internal and published modifications).

NM_012291.5(ESPL1):c.3264C>T (p.Val1088=)

Gene: ESPL1 (extra spindle pole bodies like 1, separase; plus strand). Cytogenetic location: 12q13.13.
Variant type: single nucleotide variant.
Coding change: c.3264C>T on transcript NM_012291.5 (MANE Select); coding-DNA position 3264, C replaced by T.
Protein change: p.Val1088=; no amino-acid change (valine 1088 retained).
Molecular consequence: synonymous variant.
Genome position (GRCh38, 1-based): chr12:53,286,000, C>T. VCF-style: chr12-53286000-C-T. GRCh37 (hg19) VCF-style: chr12-53679784-C-T.
Identifiers: ClinVar variation 3045847 (VCV003045847.2), dbSNP rs375195046, ClinGen allele CA6597464.